The following is an entry in ClinVar:

NM_001270.4(CHD1):c.1292A>G (p.Lys431Arg)

Gene: CHD1 (chromodomain helicase DNA binding protein 1; minus strand). Cytogenetic location: 5q15.
Variant type: single nucleotide variant.
Coding change: c.1292A>G on transcript NM_001270.4 (MANE Select); coding-DNA position 1292, A replaced by G.
Protein change: p.Lys431Arg; replaces lysine 431 with arginine.
Molecular consequence: missense variant. On other transcripts: non-coding transcript variant (2).
Genome position (GRCh38, 1-based): chr5:98,898,329, T>C on the plus strand (A>G on the coding strand, the complement: CHD1 is on the minus strand). VCF-style: chr5-98898329-T-C. GRCh37 (hg19) VCF-style: chr5-98234033-T-C.
Other names: c.1292A>G, p.Lys431Arg (NM_001364113.3, NM_001376194.2); short protein forms K431R.
Identifiers: ClinVar variation 3339080 (VCV003339080.1).

ClinVar aggregate classification (germline): Uncertain significance (1 of 4 stars; one submission).

gnomAD v4.1: 1 of 1,602,626 alleles (0.000062%); highest among the groups gnomAD compares: Admixed American, 0.0017%; no homozygotes.

Submission:

Women's Health and Genetics/Laboratory Corporation of America, LabCorp
Classification: Uncertain significance. Last evaluated: 2024-07-08. Review status: criteria provided, single submitter. Criteria: LabCorp Variant Classification Summary - May 2015. Collection method: clinical testing. Allele origin: germline.
Comment: Variant summary: CHD1 c.1292A>G (p.Lys431Arg) results in a conservative amino acid change located in the Chromo/chromo shadow domain (IPR000953) of the encoded protein sequence. Four of five in-silico tools predict a benign effect of the variant on protein function. The variant allele was found at a frequency of 4.1e-06 in 246136 control chromosomes. The available data on variant occurrences in the general population are insufficient to allow any conclusion about variant significance. To our knowledge, no occurrence of c.1292A>G in individuals affected with Pilarowski-Bjornsson Syndrome and no experimental evidence demonstrating its impact on protein function have been reported. No submitters have cited clinical-significance assessments for this variant to ClinVar. Based on the evidence outlined above, the variant was classified as uncertain significance.